The following is an entry in ClinVar:

NM_004329.3(BMPR1A):c.244T>G (p.Cys82Gly)

Gene: BMPR1A (bone morphogenetic protein receptor type 1A; plus strand). Cytogenetic location: 10q23.2.
Variant type: single nucleotide variant.
Coding change: c.244T>G on transcript NM_004329.3 (MANE Select); coding-DNA position 244, T replaced by G.
Protein change: p.Cys82Gly; replaces cysteine 82 with glycine.
Molecular consequence: missense variant.
Genome position (GRCh38, 1-based): chr10:86,892,140, T>G. VCF-style: chr10-86892140-T-G. GRCh37 (hg19) VCF-style: chr10-88651897-T-G.
Other names: short protein forms C82G.
Identifiers: ClinVar variation 411638 (VCV000411638.10), dbSNP rs1060503406, ClinGen allele CA16612866.

ClinVar aggregate classification (germline): Uncertain significance (1 of 4 stars; one submission).

Conditions:
Juvenile polyposis syndrome (JPS). Identifiers: Orphanet 2929, MedGen C0345893, MONDO:0017380, OMIM 174900.

Submission:

Labcorp Genetics (formerly Invitae), Labcorp
Classification: Uncertain significance for Juvenile polyposis syndrome. Last evaluated: 2016-11-15. Review status: criteria provided, single submitter. Criteria: Invitae Variant Classification Sherloc (09022015). Collection method: clinical testing. Allele origin: germline.
Comment: In summary, this variant is a novel missense change with uncertain impact on protein function. It has been classified as a Variant of Uncertain Significance. Algorithms developed to predict the effect of missense changes on protein structure and function do not agree on the potential impact of this missense change (SIFT: "Deleterious"; PolyPhen-2: "Probably Damaging"; Align-GVGD: "Class C0"). This variant is not present in population databases (ExAC no frequency) and has not been reported in the literature in individuals with a BMPR1A-related disease. This sequence change replaces cysteine with glycine at codon 82 of the BMPR1A protein (p.Cys82Gly). The cysteine residue is highly conserved and there is a large physicochemical difference between cysteine and glycine.